The following continues an entry in ClinVar:

NM_007194.4(CHEK2):c.1100del (p.Thr367fs)

Gene: CHEK2. ClinVar aggregate classification (germline): Pathogenic. Pathogenic (76).

Literature cited by the submitters, continued: PubMed 28874143 (cited by Ambry Genetics and Quest Diagnostics Nichols Institute San Juan Capistrano); PubMed 29351919 (cited by Ambry Genetics and Quest Diagnostics Nichols Institute San Juan Capistrano); PubMed 29489754 (cited by Ambry Genetics and Quest Diagnostics Nichols Institute San Juan Capistrano); PubMed 31993860 (cited by Ambry Genetics and Quest Diagnostics Nichols Institute San Juan Capistrano); PubMed 32805687 (cited by Ambry Genetics); PubMed 15239132 (cited by Victorian Clinical Genetics Services, Murdoch Childrens Research Institute); PubMed 12533788 (cited by 3 submitters); PubMed 18759107 (cited by Mayo Clinic Laboratories, Mayo Clinic and Quest Diagnostics Nichols Institute San Juan Capistrano); PubMed 31300551 (cited by Quest Diagnostics Nichols Institute San Juan Capistrano); PubMed 15087378 (cited by Quest Diagnostics Nichols Institute San Juan Capistrano and AiLife Diagnostics); PubMed 28779002 (cited by Quest Diagnostics Nichols Institute San Juan Capistrano and Women's Health and Genetics/Laboratory Corporation of America, LabCorp); PubMed 28514723 (cited by Quest Diagnostics Nichols Institute San Juan Capistrano and Genome Sciences Centre, British Columbia Cancer Agency); PubMed 32119081 (cited by Quest Diagnostics Nichols Institute San Juan Capistrano); PubMed 32531112 (cited by Quest Diagnostics Nichols Institute San Juan Capistrano); PubMed 32285038 (cited by Quest Diagnostics Nichols Institute San Juan Capistrano); PubMed 32383162 (cited by Quest Diagnostics Nichols Institute San Juan Capistrano); PubMed 26976419 (cited by Quest Diagnostics Nichols Institute San Juan Capistrano); PubMed 29522266 (cited by Quest Diagnostics Nichols Institute San Juan Capistrano); PubMed 27223485 (cited by Quest Diagnostics Nichols Institute San Juan Capistrano); PubMed 21779515 (cited by Quest Diagnostics Nichols Institute San Juan Capistrano); PubMed 25431674 (cited by 4 submitters); PubMed 36623239 (cited by Quest Diagnostics Nichols Institute San Juan Capistrano); PubMed 35534704 (cited by Quest Diagnostics Nichols Institute San Juan Capistrano); PubMed 36744932 (cited by Quest Diagnostics Nichols Institute San Juan Capistrano); PubMed 15095295 (cited by Quest Diagnostics Nichols Institute San Juan Capistrano); PubMed 19768534 (cited by Quest Diagnostics Nichols Institute San Juan Capistrano); PubMed 15361853 (cited by Institute for Genomic Medicine (IGM) Clinical Laboratory, Nationwide Children's Hospital); PubMed 24879340 (cited by Institute for Genomic Medicine (IGM) Clinical Laboratory, Nationwide Children's Hospital); PubMed 25583358 (cited by Sema4); PubMed 22419737 (cited by Women's Health and Genetics/Laboratory Corporation of America, LabCorp); PubMed 15520402 (cited by Women's Health and Genetics/Laboratory Corporation of America, LabCorp); PubMed 19338683 (cited by Women's Health and Genetics/Laboratory Corporation of America, LabCorp and Counsyl); PubMed 16492927 (cited by Illumina Laboratory Services, Illumina and Diagnostics Centre, Carl Von Ossietzky University Oldenburg); PubMed 16880452 (cited by Illumina Laboratory Services, Illumina and Diagnostics Centre, Carl Von Ossietzky University Oldenburg); PubMed 22006311 (cited by Illumina Laboratory Services, Illumina); PubMed 23469205 (cited by Clinical and Functional Genomics Group, A.C.Camargo Cancer Center); PubMed 37149759 (cited by Hauer Lab, Department Of Pediatric Oncology, Technical University Munich); PubMed 37055167 (cited by Diagnostics Centre, Carl Von Ossietzky University Oldenburg); PubMed 32295079 (cited by CZECANCA consortium); PubMed 17085682 (cited by Counsyl and OMIM); PubMed 11479205 (cited by OMIM); PubMed 12094328 (cited by OMIM); PubMed 12690581 (cited by OMIM); PubMed 15466005 (cited by OMIM); PubMed 16257342 (cited by OMIM); PubMed 27711073 (cited by OMIM); PubMed 36222830 (cited by OMIM).